The following is an entry in ClinVar:

NM_001033855.3(DCLRE1C):c.1408C>A (p.Gln470Lys)

Gene: DCLRE1C (DNA cross-link repair 1C; minus strand). Cytogenetic location: 10p13.
Variant type: single nucleotide variant.
Coding change: c.1408C>A on transcript NM_001033855.3 (MANE Select); coding-DNA position 1408, C replaced by A.
Protein change: p.Gln470Lys; replaces glutamine 470 with lysine.
Molecular consequence: missense variant. On other transcripts: non-coding transcript variant (4).
Genome position (GRCh38, 1-based): chr10:14,909,079, G>T on the plus strand (C>A on the coding strand, the complement: DCLRE1C is on the minus strand). VCF-style: chr10-14909079-G-T. GRCh37 (hg19) VCF-style: chr10-14951078-G-T.
Other names: c.1063C>A, p.Gln355Lys (NM_001289076.2, NM_001289078.2, NM_001350966.2 and 1 more transcripts); c.1048C>A, p.Gln350Lys (NM_001289077.2, NM_001289079.2, NM_001350967.2 and 2 more transcripts); c.1408C>A, p.Gln470Lys (NM_001350965.2); short protein forms Q350K, Q355K, Q470K.
Identifiers: ClinVar variation 1013664 (VCV001013664.3), dbSNP rs750104684, ClinGen allele CA5416484.

ClinVar aggregate classification (germline): Uncertain significance. Review status: criteria provided, single submitter (1 of 4 stars). 2 submissions from 2 submitters: Uncertain significance (1). 1 of the submissions does not count toward it. Last evaluated 2021-11-01.

Conditions:
Athabaskan severe combined immunodeficiency (SCIDA). Also called: Severe combined immunodeficiency, athabascan-type. Identifiers: MedGen C1865370.
Severe combined immunodeficiency due to DCLRE1C deficiency (RS-SCID). Also called: SCID, AUTOSOMAL RECESSIVE, T CELL-NEGATIVE, B CELL-NEGATIVE, NK CELL-POSITIVE, WITH SENSITIVITY TO IONIZING RADIATION. Identifiers: Orphanet 275, MedGen C1865371, MONDO:0011225, OMIM 602450.

Allele frequency attached by ClinVar (database versions not stated): TOPMed 0.00002; ExAC 0.00003; gnomAD exomes 0.00004 and 0.00003; gnomAD 0.00005 and 0.00004.
gnomAD v4.1: 47 of 1,614,052 alleles (0.0029%); highest among the groups gnomAD compares: Middle Eastern, 0.033%; no homozygotes.

Submissions (2):

Labcorp Genetics (formerly Invitae), Labcorp
Classification: Uncertain significance for Athabaskan severe combined immunodeficiency. Last evaluated: 2021-11-01. Review status: criteria provided, single submitter. Criteria: Invitae Variant Classification Sherloc (09022015). Collection method: clinical testing. Allele origin: germline.
Comment: This sequence change replaces glutamine, which is neutral and polar, with lysine, which is basic and polar, at codon 470 of the DCLRE1C protein (p.Gln470Lys). This variant is present in population databases (rs750104684, gnomAD 0.008%). This variant has not been reported in the literature in individuals affected with DCLRE1C-related conditions. ClinVar contains an entry for this variant (Variation ID: 1013664). Algorithms developed to predict the effect of missense changes on protein structure and function (SIFT, PolyPhen-2, Align-GVGD) all suggest that this variant is likely to be tolerated. In summary, the available evidence is currently insufficient to determine the role of this variant in disease. Therefore, it has been classified as a Variant of Uncertain Significance.

Natera, Inc.
Classification: Uncertain significance for Athabascan severe combined immunodeficiency. Last evaluated: 2020-07-14. Review status: no assertion criteria provided. Collection method: clinical testing. Allele origin: germline. Not counted in ClinVar's aggregate classification.